The following is an entry in ClinVar:

NM_004463.3(FGD1):c.85G>C (p.Ala29Pro)

Gene: FGD1 (FYVE, RhoGEF and PH domain containing 1; minus strand). Cytogenetic location: Xp11.22.
Variant type: single nucleotide variant.
Coding change: c.85G>C on transcript NM_004463.3 (MANE Select); coding-DNA position 85, G replaced by C.
Protein change: p.Ala29Pro; replaces alanine 29 with proline.
Molecular consequence: missense variant.
Genome position (GRCh38, 1-based): chrX:54,495,348, C>G on the plus strand (G>C on the coding strand, the complement: FGD1 is on the minus strand). VCF-style: chrX-54495348-C-G. GRCh37 (hg19) VCF-style: chrX-54521781-C-G.
Other names: short protein forms A29P.
Identifiers: ClinVar variation 798015 (VCV000798015.15), dbSNP rs752282314, ClinGen allele CA10425320.

ClinVar aggregate classification (germline): Conflicting classifications of pathogenicity. Review status: criteria provided, conflicting classifications (1 of 4 stars). 6 submissions from 6 submitters: Uncertain significance (1); Benign (1); Likely benign (3). 1 of the submissions does not count toward it. Last evaluated 2025-12-08.

Conditions:
Inborn genetic diseases. Identifiers: MedGen C0950123, MeSH D030342.
FGD1-related disorder. Also called: FGD1-related condition; FGD1-related disorders.
Intellectual disability. Also called: intellectual disabilities; Intellectual developmental disorder; Intellectual functioning disability. Identifiers: MedGen C3714756, MeSH D008607, MONDO:0001071, HP:0001249.

Allele frequency attached by ClinVar (database versions not stated): ExAC below 0.00001; gnomAD 0.00008 and 0.00011; gnomAD exomes 0.00011 and 0.00021; TOPMed 0.00018.
gnomAD v4.1: 234 of 1,154,708 alleles (0.02%); highest among the groups gnomAD compares: Non-Finnish European, 0.025%; no homozygotes.

Submissions (6):

Dasa
Classification: Likely benign. Last evaluated: 2025-12-08. Review status: criteria provided, single submitter. Criteria: DASA Assertion Criteria. Collection method: clinical testing. Allele origin: germline.
Comment: NM_004463.3(FGD1):c.85G>C (p.Ala29Pro) is a missense variant that results in the substitution of alanine with proline. Observations in unaffected individuals support a benign interpretation. Computational prediction algorithms are consistent with a benign effect. Therefore, based on the currently available evidence, this variant is classified as likely benign.

Labcorp Genetics (formerly Invitae), Labcorp
Classification: Benign. Last evaluated: 2025-10-01. Review status: criteria provided, single submitter. Criteria: Invitae Variant Classification Sherloc (09022015). Collection method: clinical testing. Allele origin: germline.

Ambry Genetics
Classification: Likely benign for Inborn genetic diseases. Last evaluated: 2024-01-22. Review status: criteria provided, single submitter. Criteria: Ambry Variant Classification Scheme 2023. Collection method: clinical testing. Allele origin: germline.

Cambridge Genomics Laboratory, East Genomic Laboratory Hub, NHS Genomic Medicine Service
Classification: Uncertain significance for Intellectual disability. Last evaluated: 2019-07-23. Review status: criteria provided, single submitter. Criteria: ACGS Best Practice Guidelines for Variant Classification in Rare Disease 2020. Collection method: clinical testing. Allele origin: germline. Affected: yes. Observed: 1 variant allele.

Athena Diagnostics
Classification: Likely benign. Last evaluated: 2019-07-18. Review status: criteria provided, single submitter. Criteria: Athena Diagnostics Criteria. Collection method: clinical testing. Allele origin: germline.

PreventionGenetics, part of Exact Sciences
Classification: Likely benign for FGD1-related condition. Last evaluated: 2023-01-29. Review status: no assertion criteria provided. Collection method: clinical testing. Allele origin: germline. Not counted in ClinVar's aggregate classification.
Comment: This variant is classified as likely benign based on ACMG/AMP sequence variant interpretation guidelines (Richards et al. 2015 PMID: 25741868, with internal and published modifications).